The following is an entry in ClinVar:

NM_000195.5(HPS1):c.355del (p.His119fs)

Gene: HPS1 (HPS1 biogenesis of lysosomal organelles complex 3 subunit 1; minus strand). Cytogenetic location: 10q24.2.
Variant type: Deletion.
Coding change: c.355del on transcript NM_000195.5 (MANE Select); coding-DNA position 355, one base deleted (C; older notation c.355delC).
Protein change: p.His119fs; shifts the reading frame from histidine 119.
Molecular consequence: frameshift variant. On other transcripts: 5 prime UTR variant (2), intron variant (7).
Genome position (GRCh38, 1-based): chr10:98,435,315, G deleted on the plus strand (C on the coding strand, the reverse complement: HPS1 is on the minus strand). VCF-style (leftmost placement, unchanged base first): chr10-98435314-TG-T. GRCh37 (hg19) VCF-style: chr10-100195071-TG-T.
Other names: NM_000195.5(HPS1):c.355del; p.His119fs; c.355del (NM_000195.3); c.-562del (NM_001311345.2); c.355del, p.His119fs (NM_001322476.2, NM_001322477.2, NM_001322478.2 and 5 more transcripts); c.-661del (NM_001322487.2); c.29+320del (NM_001322483.2, NM_001322485.2, NM_001322484.2); c.255+320del (NM_001322480.2, NM_001322482.2, NM_001322481.2); and 2 more; short protein forms H119fs.
Identifiers: ClinVar variation 21103 (VCV000021103.27), dbSNP rs281865075, ClinGen allele CA341633.

ClinVar aggregate classification (germline): Pathogenic. Review status: criteria provided, multiple submitters, no conflicts (2 of 4 stars). 10 submissions from 10 submitters: Pathogenic (10). Last evaluated 2025-12-23.

Conditions:
HPS1-related disorders.
Hermansky-Pudlak syndrome (HPS). Also called: ALBINISM WITH HEMORRHAGIC DIATHESIS AND PIGMENTED RETICULOENDOTHELIAL CELLS. Identifiers: Orphanet 79430, MedGen C0079504, MONDO:0019312.
Hermansky-Pudlak syndrome 1 (HPS1). Also called: DELTA STORAGE POOL DISEASE. Identifiers: Orphanet 231500, Orphanet 79430, MedGen C2931875, MONDO:0008748, OMIM 203300.

Allele frequency attached by ClinVar (database versions not stated): ExAC 0.00001; gnomAD 0.00002; TOPMed 0.00002; gnomAD exomes 0.00001.

Submissions (10):

Natera, Inc.
Classification: Pathogenic for Hermansky-Pudlak syndrome. Last evaluated: 2025-12-23. Review status: criteria provided, single submitter. Criteria: Natera Variant Classification Schema (03/2026). Collection method: clinical testing. Allele origin: germline.
Comment: The c.355delC variant in HPS1 is a frameshift variant predicted to shift the reading frame beginning at codon 119 and leads to a stop codon 5 codons downstream. This variant is expected to result in nonsense mediated decay, truncation, or a dysfunctional protein product. This variant is rare in the general population with a frequency below the threshold expected for the associated phenotype(s). This variant has been observed in one or more individuals affected with the associated recessive disease, as either homozygous or compound heterozygous with a second variant (PMID: 37389831). Given the available evidence, this variant is classified as Pathogenic.

Dasa
Classification: Pathogenic. Last evaluated: 2025-10-04. Review status: criteria provided, single submitter. Criteria: DASA Assertion Criteria. Collection method: clinical testing. Allele origin: germline.
Comment: NM_000195.5(HPS1):c.355del (p.His119Thrfs*5) introduces a premature termination codon predicted to result in loss of normal protein function. Loss-of-function is an established mechanism of disease for this gene. This variant has been reported in individuals with related phenotype (PMID: 12442288). The variant is present at low frequency in population datasets. Based on the available data, this variant is classified as pathogenic.

Myriad Genetics, Inc.
Classification: Pathogenic for Hermansky-Pudlak syndrome 1. Last evaluated: 2025-01-13. Review status: criteria provided, single submitter. Criteria: Myriad Autosomal Dominant, Autosomal Recessive and X-Linked Classification Criteria (2023). Collection method: clinical testing. Allele origin: unknown.
Comment: NM_000195.3(HPS1):c.355delC(H119Tfs*5) is a frameshift variant classified as pathogenic in the context of Hermansky-Pudlak syndrome, HPS1-related. H119Tfs*5 has been observed in a case with relevant disease (PMID: 12442288). Relevant functional assessments of this variant are not available in the literature. H119Tfs*5 has been observed in referenced population frequency databases. In summary, NM_000195.3(HPS1):c.355delC(H119Tfs*5) is a frameshift variant in a gene where loss of function is a known mechanism of disease, is predicted to disrupt protein function, and has been observed more frequently in cases with the relevant disease than in healthy populations. Please note: this variant was assessed in the context of healthy population screening.

Laboratory of Genetic Epidemiology, Research Centre for Medical Genetics
Classification: Pathogenic for Hermansky-Pudlak syndrome 1. Last evaluated: 2025-01-01. Review status: criteria provided, single submitter. Criteria: ACMG Guidelines, 2015. Collection method: clinical testing. Allele origin: unknown. Inheritance: Autosomal recessive inheritance. Affected: yes. Observed: 1 heterozygote.
Comment: This variant has been previously reported in the literature (PMIDs: 12442288, 37647632) and is listed in gnomAD v3.1.2. with allele frequency 0.00004 in Europe (3/67966). We assume that this variant is highly likely to be in trans state with pathogenic variant NM_000195.5:c.1189delС, p.(Gln397Serfs*2) in proband; therefore, based on the literature (PMID: 30311386), we apply the ACMG pathogenic criterion PM3 Supporting. Taken together, the variant meets the following ACMG/AMP criteria and can be classified as pathogenic with PM2, PVS1, PM3, PP5 criteria.

Labcorp Genetics (formerly Invitae), Labcorp
Classification: Pathogenic. Last evaluated: 2024-10-08. Review status: criteria provided, single submitter. Criteria: Invitae Variant Classification Sherloc (09022015). Collection method: clinical testing. Allele origin: germline.
Comment: This sequence change creates a premature translational stop signal (p.His119Thrfs*5) in the HPS1 gene. It is expected to result in an absent or disrupted protein product. Loss-of-function variants in HPS1 are known to be pathogenic (PMID: 12442288, 16185271). This variant is present in population databases (rs281865075, gnomAD 0.002%). This premature translational stop signal has been observed in individual(s) with Hermansky-Pudlak syndrome (PMID: 12442288). This variant is also known as c.561delC. ClinVar contains an entry for this variant (Variation ID: 21103). For these reasons, this variant has been classified as Pathogenic.

Blueprint Genetics
Classification: Pathogenic for HPS1-related disorders. Last evaluated: 2024-06-26. Review status: criteria provided, single submitter. Criteria: ACMG Guidelines, 2015. Collection method: clinical testing. Allele origin: germline. Affected: yes. Observed: 4 variant alleles.

Fulgent Genetics
Classification: Pathogenic for Hermansky-Pudlak syndrome 1. Last evaluated: 2024-06-25. Review status: criteria provided, single submitter. Criteria: ACMG Guidelines, 2015. Collection method: clinical testing. Allele origin: germline.

GeneDx
Classification: Pathogenic. Last evaluated: 2022-10-17. Review status: criteria provided, single submitter. Criteria: GeneDx Variant Classification Process June 2021. Collection method: clinical testing. Allele origin: germline. Affected: yes.
Comment: Frameshift variant predicted to result in protein truncation or nonsense mediated decay in a gene for which loss of function is a known mechanism of disease; Not observed at significant frequency in large population cohorts (gnomAD); This variant is associated with the following publications: (PMID: 31589614, 31898847, 20514622, 12442288, Boeckelmann2020[paper])

Department of Pathology and Laboratory Medicine, Sinai Health System
Classification: Pathogenic for Hermansky-Pudlak syndrome 1. Last evaluated: 2022-01-12. Review status: criteria provided, single submitter. Criteria: ACMG Guidelines, 2015. Collection method: research. Allele origin: germline.

Broad Center for Mendelian Genomics, Broad Institute of MIT and Harvard
Classification: Pathogenic for Hermansky-Pudlak syndrome. Last evaluated: 2021-11-29. Review status: criteria provided, single submitter. Criteria: ACMG Guidelines, 2015. Collection method: curation. Allele origin: germline. Inheritance: Autosomal recessive inheritance.
Comment: The p.His119fs variant in HPS1 has been reported in 3 individuals with Hermansky-Pudlak syndrome (PMID: 12442288, 20514622, DOI: 10.26502/acmcr.96550313) and has been identified in 0.002% (3/129066) of European (non-Finnish) chromosomes by the Genome Aggregation Database (gnomAD; dbSNP ID: rs281865075). Although this variant has been seen in the general population in a heterozygous state, its frequency is low enough to be consistent with a recessive carrier frequency. This variant has also been reported in ClinVar (Variation ID#: 21103) and has been interpreted as pathogenic by Invitae, Natera, Inc., and GeneReviews. Of the 3 affected individuals, all were compound heterozygotes that carried a reported pathogenic variant in trans or with unknown phase, which increases the likelihood that the p.His119fs variant is pathogenic (VariationID: 21091; PMID: 12442288, 20514622, DOI: 10.26502/acmcr.96550313). In vitro functional studies provide some evidence that the p.His119fs variant may slightly impact protein function (PMID: 12442288). However, these types of assays may not accurately represent biological function. This variant is predicted to cause a frameshift, which alters the protein’s amino acid sequence beginning at position 119 and leads to a premature termination codon 5 amino acids downstream. This alteration is then predicted to lead to a truncated or absent protein. Loss of function of the HPS1 gene is an established disease mechanism in autosomal recessive Hermansky-Pudlak syndrome. In summary, this variant meets criteria to be classified as pathogenic for autosomal recessive Hermansky-Pudlak syndrome. ACMG/AMP Criteria applied: PM3_strong, PM2_supporting, PVS1, PS3_supporting (Richards 2015).

Literature cited by the submitters: PubMed 37389831 (cited by Natera, Inc.); PubMed 12442288 (cited by 3 submitters); PubMed 41428507 (cited by Laboratory of Genetic Epidemiology, Research Centre for Medical Genetics); PubMed 16185271 (cited by Labcorp Genetics (formerly Invitae), Labcorp).